The following is an entry in ClinVar:

ClinVar aggregate classification (germline): Likely pathogenic (1 of 4 stars; one submission).

Allele frequency attached by ClinVar (database versions not stated): gnomAD exomes below 0.00001; ExAC 0.00001; gnomAD 0.00001.
gnomAD v4.1: 3 of 1,614,036 alleles (0.00019%); highest among the groups gnomAD compares: Admixed American, 0.0033%; no homozygotes.

Submission:

Labcorp Genetics (formerly Invitae), Labcorp
Classification: Likely pathogenic. Last evaluated: 2025-10-02. Review status: criteria provided, single submitter. Criteria: Invitae Variant Classification Sherloc (09022015). Collection method: clinical testing. Allele origin: germline.
Comment: This sequence change affects a donor splice site in intron 8 of the VARS2 gene. It is expected to disrupt RNA splicing. Variants that disrupt the donor or acceptor splice site typically lead to a loss of protein function (PMID: 16199547), and loss-of-function variants in VARS2 are known to be pathogenic (PMID: 29313548). This variant is present in population databases (rs767781351, gnomAD 0.003%). This variant has not been reported in the literature in individuals affected with VARS2-related conditions. ClinVar contains an entry for this variant (Variation ID: 2999211). Algorithms developed to predict the effect of sequence changes on RNA splicing suggest that this variant may disrupt the consensus splice site. In summary, the currently available evidence indicates that the variant is pathogenic, but additional data are needed to prove that conclusively. Therefore, this variant has been classified as Likely Pathogenic.

Literature cited by the submitters: PubMed 16199547; PubMed 29313548.

NM_020442.6(VARS2):c.753+2T>A

Gene: VARS2 (valyl-tRNA synthetase 2, mitochondrial; plus strand). Cytogenetic location: 6p21.33.
Variant type: single nucleotide variant.
Coding change: c.753+2T>A on transcript NM_020442.6 (MANE Select); the canonical splice donor site of the intron after coding-DNA position 753, T replaced by A.
Molecular consequence: splice donor variant.
Genome position (GRCh38, 1-based): chr6:30,916,961, T>A. VCF-style: chr6-30916961-T-A. GRCh37 (hg19) VCF-style: chr6-30884738-T-A.
Other names: c.843+2T>A (NM_001167734.2); c.333+2T>A (NM_001167733.3).
Identifiers: ClinVar variation 2999211 (VCV002999211.3), dbSNP rs767781351, ClinGen allele CA3705708.
Genomic context (GRCh38, chr6:30,916,961, plus strand): 5'-AGCTGCGAGCTCTGGGTGCCTCCCTGGACTGGGATCGAGAGTGTTTTACCATGGATGTTG[T>A]GAGTGTTCTGTGCCTTGGTCCCTGTGAGTGATGGGCGATGTTTAGGGATCTGTGTGGGGC-3'